The following is an entry in ClinVar:

ClinVar aggregate classification (germline): Uncertain significance. Review status: criteria provided, multiple submitters, no conflicts (2 of 4 stars). 2 submissions from 2 submitters: Uncertain significance (2). Last evaluated 2024-02-13.

Conditions:
SHANK3-related disorder. Also called: SHANK3-related condition.
Inborn genetic diseases. Identifiers: MedGen C0950123, MeSH D030342.

Allele frequency attached by ClinVar (database versions not stated): gnomAD 0.00001; TOPMed 0.00002; gnomAD exomes 0.00003.

Submissions (2):

Ambry Genetics
Classification: Uncertain significance for Inborn genetic diseases. Last evaluated: 2024-02-13. Review status: criteria provided, single submitter. Criteria: Ambry Variant Classification Scheme 2023. Collection method: clinical testing. Allele origin: germline.

PreventionGenetics, part of Exact Sciences
Classification: Uncertain significance for SHANK3-related condition. Last evaluated: 2023-04-24. Review status: criteria provided, single submitter. Criteria: ACMG Guidelines, 2015. Collection method: clinical testing. Allele origin: germline.
Comment: The SHANK3 c.4595C>A variant is predicted to result in the amino acid substitution p.Ala1532Glu. To our knowledge, this variant has not been reported in the literature or in a large population database, indicating this variant is rare. At this time, the clinical significance of this variant is uncertain due to the absence of conclusive functional and genetic evidence.

NM_001372044.2(SHANK3):c.4820C>A (p.Ala1607Glu)

Gene: SHANK3 (SH3 and multiple ankyrin repeat domains 3; plus strand). Cytogenetic location: 22q13.33.
Variant type: single nucleotide variant.
Coding change: c.4820C>A on transcript NM_001372044.2 (MANE Select); coding-DNA position 4820, C replaced by A.
Protein change: p.Ala1607Glu; replaces alanine 1607 with glutamic acid.
Molecular consequence: missense variant.
Genome position (GRCh38, 1-based): chr22:50,722,428, C>A. VCF-style: chr22-50722428-C-A. GRCh37 (hg19) VCF-style: chr22-51160856-C-A.
Other names: c.4595C>A, p.Ala1532Glu (NM_033517.1); short protein forms A1532E, A1607E.
Identifiers: ClinVar variation 2628731 (VCV002628731.2), dbSNP rs1432850616, ClinGen allele CA515265589.
Genomic context (GRCh38, chr22:50,722,428, plus strand): 5'-GGGAGGAACCAGTTGGTGGCCTGGGCAGCCTGCTGGACCCTGCCAAGAAGTCGCCCATCG[C>A]AGCAGCTCGGTGAGCAGGGCGGTGCGGGGAGGGATCCGTGCCTTGTCCGTGGCCCCGTCT-3'
Protein context (NP_001358973.1, residues 1597-1617): LLDPAKKSPI[Ala1607Glu]AARLFSSLGE